The following is an entry in ClinVar:

NM_007254.4(PNKP):c.678G>A (p.Lys226=)

Gene: PNKP (polynucleotide kinase 3'-phosphatase; minus strand). Cytogenetic location: 19q13.33.
Variant type: single nucleotide variant.
Coding change: c.678G>A on transcript NM_007254.4 (MANE Select); coding-DNA position 678, G replaced by A.
Protein change: p.Lys226=; no amino-acid change (lysine 226 retained).
Molecular consequence: synonymous variant.
Genome position (GRCh38, 1-based): chr19:49,864,030, C>T on the plus strand (G>A on the coding strand, the complement: PNKP is on the minus strand). VCF-style: chr19-49864030-C-T. GRCh37 (hg19) VCF-style: chr19-50367287-C-T.
Identifiers: ClinVar variation 378397 (VCV000378397.54), dbSNP rs141969535, ClinGen allele CA9586830.

ClinVar aggregate classification (germline): Conflicting classifications of pathogenicity. Review status: criteria provided, conflicting classifications (1 of 4 stars). 8 submissions from 8 submitters: Uncertain significance (1); Benign (1); Likely benign (6). Last evaluated 2026-07-01.

Conditions:
Developmental and epileptic encephalopathy, 12 (DEE12). Identifiers: MedGen C3150988, MONDO:0013389, OMIM 613722.
Inborn genetic diseases. Identifiers: MedGen C0950123, MeSH D030342.
Microcephaly, seizures, and developmental delay. Identifiers: Orphanet 1934, MedGen C3150667, MONDO:0013254, OMIM 613402.

Allele frequency attached by ClinVar (database versions not stated): ExAC 0.00009; gnomAD exomes 0.00014 and 0.00015; ESP Exome Variant Server 0.00015; gnomAD 0.00019 and 0.00021; TOPMed 0.00020.
gnomAD v4.1: 247 of 1,613,948 alleles (0.015%); highest among the groups gnomAD compares: Non-Finnish European, 0.016%; no homozygotes.

Submissions (8):

CeGaT Center for Human Genetics Tuebingen
Classification: Likely benign. Last evaluated: 2026-07-01. Review status: criteria provided, single submitter. Criteria: CeGaT Center For Human Genetics Tuebingen Variant Classification Criteria Version 2. Collection method: clinical testing. Allele origin: germline. Affected: yes. Observed: 9 variant alleles.
Comment: PNKP: BP4, BP7

Labcorp Genetics (formerly Invitae), Labcorp
Classification: Likely benign for Developmental and epileptic encephalopathy, 12. Last evaluated: 2025-11-24. Review status: criteria provided, single submitter. Criteria: Invitae Variant Classification Sherloc (09022015). Collection method: clinical testing. Allele origin: germline.

Women's Health and Genetics/Laboratory Corporation of America, LabCorp
Classification: Likely benign. Last evaluated: 2025-01-20. Review status: criteria provided, single submitter. Criteria: LabCorp Variant Classification Summary - May 2015. Collection method: clinical testing. Allele origin: germline.

Blueprint Genetics
Classification: Likely benign. Last evaluated: 2024-10-11. Review status: criteria provided, single submitter. Criteria: ACMG Guidelines, 2015. Collection method: clinical testing. Allele origin: germline.

ARUP Laboratories, Molecular Genetics and Genomics, ARUP Laboratories
Classification: Likely benign. Last evaluated: 2024-05-21. Review status: criteria provided, single submitter. Criteria: ARUP Molecular Germline Variant Investigation Process 2024. Collection method: clinical testing. Allele origin: germline.

Ambry Genetics
Classification: Likely benign for Inborn genetic diseases. Last evaluated: 2018-01-22. Review status: criteria provided, single submitter. Criteria: Ambry Variant Classification Scheme 2023. Collection method: clinical testing. Allele origin: germline.

Illumina Laboratory Services, Illumina
Classification: Uncertain significance for Microcephaly, seizures, and developmental delay. Last evaluated: 2018-01-13. Review status: criteria provided, single submitter. Criteria: ICSL Variant Classification Criteria 13 December 2019. Collection method: clinical testing. Allele origin: germline.

GeneDx
Classification: Benign. Last evaluated: 2015-07-08. Review status: criteria provided, single submitter. Criteria: GeneDx Variant Classification (06012015). Collection method: clinical testing. Allele origin: germline. Affected: yes.
Comment: This variant is considered likely benign or benign based on one or more of the following criteria: it is a conservative change, it occurs at a poorly conserved position in the protein, it is predicted to be benign by multiple in silico algorithms, and/or has population frequency not consistent with disease.